The following is an entry in ClinVar:

ClinVar aggregate classification (germline): Uncertain significance (1 of 4 stars; one submission).

Conditions:
Severe combined immunodeficiency due to DNA-PKcs deficiency. Also called: IMMUNODEFICIENCY 26 WITH NEUROLOGIC ABNORMALITIES; Immunodeficiency 26 with or without neurologic abnormalities. Identifiers: Orphanet 317425, MedGen C4014833, MONDO:0014423, OMIM 615966.

gnomAD v4.1: 13 of 1,613,488 alleles (0.00081%); highest among the groups gnomAD compares: Non-Finnish European, 0.0011%; no homozygotes.

Submission:

Labcorp Genetics (formerly Invitae), Labcorp
Classification: Uncertain significance for Severe combined immunodeficiency due to DNA-PKcs deficiency. Last evaluated: 2025-10-01. Review status: criteria provided, single submitter. Criteria: Invitae Variant Classification Sherloc (09022015). Collection method: clinical testing. Allele origin: germline.
Comment: This sequence change replaces alanine, which is neutral and non-polar, with serine, which is neutral and polar, at codon 4081 of the PRKDC protein (p.Ala4081Ser). This variant is present in population databases (no rsID available, gnomAD 0.0009%). This variant has not been reported in the literature in individuals affected with PRKDC-related conditions. Invitae Evidence Modeling of protein sequence and biophysical properties (such as structural, functional, and spatial information, amino acid conservation, physicochemical variation, residue mobility, and thermodynamic stability) indicates that this missense variant is expected to disrupt PRKDC protein function with a positive predictive value of 80%. In summary, the available evidence is currently insufficient to determine the role of this variant in disease. Therefore, it has been classified as a Variant of Uncertain Significance.

NM_006904.7(PRKDC):c.12241G>T (p.Ala4081Ser)

Gene: PRKDC (protein kinase, DNA-activated, catalytic subunit; minus strand). Cytogenetic location: 8q11.21.
Variant type: single nucleotide variant.
Coding change: c.12241G>T on transcript NM_006904.7 (MANE Select); coding-DNA position 12241, G replaced by T.
Protein change: p.Ala4081Ser; replaces alanine 4081 with serine.
Molecular consequence: missense variant.
Genome position (GRCh38, 1-based): chr8:47,774,319, C>A on the plus strand (G>T on the coding strand, the complement: PRKDC is on the minus strand). VCF-style: chr8-47774319-C-A. GRCh37 (hg19) VCF-style: chr8-48686880-C-A.
Other names: c.12148G>T, p.Ala4050Ser (NM_001081640.2); short protein forms A4050S, A4081S.
Identifiers: ClinVar variation 4748695 (VCV004748695.1).